The following is an entry in ClinVar:

ClinVar aggregate classification (germline): Uncertain significance (1 of 4 stars; one submission).

Submission:

Labcorp Genetics (formerly Invitae), Labcorp
Classification: Uncertain significance. Last evaluated: 2025-08-19. Review status: criteria provided, single submitter. Criteria: Invitae Variant Classification Sherloc (09022015). Collection method: clinical testing. Allele origin: germline.
Comment: This sequence change replaces serine, which is neutral and polar, with glycine, which is neutral and non-polar, at codon 2492 of the ANK3 protein (p.Ser2492Gly). This variant is present in population databases (rs778987750, gnomAD 0.003%). This variant has not been reported in the literature in individuals affected with ANK3-related conditions. Invitae Evidence Modeling of protein sequence and biophysical properties (such as structural, functional, and spatial information, amino acid conservation, physicochemical variation, residue mobility, and thermodynamic stability) has been performed for this missense variant. However, the output from this modeling did not meet the statistical confidence thresholds required to predict the impact of this variant on ANK3 protein function. In summary, the available evidence is currently insufficient to determine the role of this variant in disease. Therefore, it has been classified as a Variant of Uncertain Significance.

NM_020987.5(ANK3):c.7474A>G (p.Ser2492Gly)

Gene: ANK3 (ankyrin 3; minus strand). Cytogenetic location: 10q21.2.
Variant type: single nucleotide variant.
Coding change: c.7474A>G on transcript NM_020987.5 (MANE Select); coding-DNA position 7474, A replaced by G.
Protein change: p.Ser2492Gly; replaces serine 2492 with glycine.
Molecular consequence: missense variant. On other transcripts: intron variant (4).
Genome position (GRCh38, 1-based): chr10:60,073,407, T>C on the plus strand (A>G on the coding strand, the complement: ANK3 is on the minus strand). VCF-style: chr10-60073407-T-C. GRCh37 (hg19) VCF-style: chr10-61833165-T-C.
Other names: c.4388-5398A>G (NM_001204403.2); c.4409-5398A>G (NM_001204404.2); c.4406-5398A>G (NM_001320874.2); c.1808-5398A>G (NM_001149.4); short protein forms S2492G.
Identifiers: ClinVar variation 4780934 (VCV004780934.1).